The following is an entry in ClinVar:

ClinVar aggregate classification (germline): Uncertain significance (1 of 4 stars; one submission).

Submission:

GeneDx
Classification: Uncertain significance. Last evaluated: 2021-06-14. Review status: criteria provided, single submitter. Criteria: GeneDx Variant Classification Process June 2021. Collection method: clinical testing. Allele origin: germline. Affected: yes.
Comment: Not observed at significant frequency in large population cohorts (Lek et al., 2016); In silico analysis supports that this missense variant does not alter protein structure/function; Has not been previously published as pathogenic or benign to our knowledge; This variant is associated with the following publications: (PMID: 25942534, 25678562, 23521649, 27535533)

NM_001130823.3(DNMT1):c.856G>C (p.Val286Leu)

Gene: DNMT1 (DNA methyltransferase 1; minus strand). Cytogenetic location: 19p13.2.
Variant type: single nucleotide variant.
Coding change: c.856G>C on transcript NM_001130823.3 (MANE Select); coding-DNA position 856, G replaced by C.
Protein change: p.Val286Leu; replaces valine 286 with leucine.
Molecular consequence: missense variant.
Genome position (GRCh38, 1-based): chr19:10,166,633, C>G on the plus strand (G>C on the coding strand, the complement: DNMT1 is on the minus strand). VCF-style: chr19-10166633-C-G. GRCh37 (hg19) VCF-style: chr19-10277309-C-G.
Other names: c.808G>C, p.Val270Leu (NM_001318730.2, NM_001379.4); c.493G>C, p.Val165Leu (NM_001318731.2); short protein forms V165L, V270L, V286L.
Identifiers: ClinVar variation 1328911 (VCV001328911.2), dbSNP rs368960099, ClinGen allele CA403942026.
Genomic context (GRCh38, chr19:10,166,633, plus strand): 5'-TCAGAAACAAATAACCCGCCTTTACTTTCTCGTCTCCATCTTCGTCCTCGTCAGCCTGCA[C>G]GCCTGCCCTGGCTTCTCTGTCCGGCTCCTCCTTCAGTTTCTGTTTGGGTGTTCTGTCACA-3'
Protein context (NP_001124295.1, residues 276-296): EEPDREARAG[Val286Leu]QADEDEDGDE